The following is an entry in ClinVar:

NM_000038.6(APC):c.423-33_423-17del

Gene: APC (APC regulator of Wnt signaling pathway; plus strand). Cytogenetic location: 5q22.2.
Variant type: Deletion.
Coding change: c.423-33_423-17del on transcript NM_000038.6 (MANE Select); 33 bases into the intron before coding-DNA position 423 through 17 bases into the intron before coding-DNA position 423, 17 bases deleted (TAAACGTACCTTTTTTT).
Molecular consequence: intron variant.
Genome position (GRCh38, 1-based): chr5:112,775,596-112,775,612, TAAACGTACCTTTTTTT deleted; deleting any 17 consecutive bases within chr5:112,775,594-112,775,612 gives the same sequence; the c. name uses the placement nearest the transcript's 3' end. VCF-style (leftmost placement, unchanged base first): chr5-112775593-GTTTAAACGTACCTTTTT-G. GRCh37 (hg19) VCF-style: chr5-112111290-GTTTAAACGTACCTTTTT-G.
Other names: c.-613-33_-613-17del (NM_001407470.1, NM_001407472.1, NM_001354906.2 and 1 more transcripts); c.423-33_423-17del (NM_001407447.1, NM_001354895.2, NM_001407456.1 and 16 more transcripts); c.453-33_453-17del (NM_001407446.1, NM_001354897.2, NM_001354902.2 and 1 more transcripts); c.246-33_246-17del (NM_001407453.1, NM_001354900.2, NM_001354901.2 and 1 more transcripts); c.348-33_348-17del (NM_001407451.1, NM_001354898.2, NM_001354904.2).
Identifiers: ClinVar variation 2655635 (VCV002655635.24), dbSNP rs2532408632, ClinGen allele CA2695197972.

ClinVar aggregate classification (germline): Uncertain significance (1 of 4 stars; one submission).

Submission:

CeGaT Center for Human Genetics Tuebingen
Classification: Uncertain significance. Last evaluated: 2023-10-01. Review status: criteria provided, single submitter. Criteria: CeGaT Center For Human Genetics Tuebingen Variant Classification Criteria Version 2. Collection method: clinical testing. Allele origin: germline. Affected: yes. Observed: 1 variant allele.
Comment: APC: PM2, PP3, PP4